The following is an entry in ClinVar:

NM_032790.4(ORAI1):c.473A>G (p.Asn158Ser)

Gene: ORAI1 (ORAI calcium release-activated calcium modulator 1; plus strand). Cytogenetic location: 12q24.31.
Variant type: single nucleotide variant.
Coding change: c.473A>G on transcript NM_032790.4 (MANE Select); coding-DNA position 473, A replaced by G.
Protein change: p.Asn158Ser; replaces asparagine 158 with serine.
Molecular consequence: missense variant. On other transcripts: non-coding transcript variant (1).
Genome position (GRCh38, 1-based): chr12:121,641,210, A>G. VCF-style: chr12-121641210-A-G. GRCh37 (hg19) VCF-style: chr12-122079116-A-G.
Other names: short protein forms N158S.
Identifiers: ClinVar variation 2923344 (VCV002923344.5), dbSNP rs1465923514, ClinGen allele CA386983220.

ClinVar aggregate classification (germline): Uncertain significance. Review status: criteria provided, multiple submitters, no conflicts (2 of 4 stars). 3 submissions from 3 submitters: Uncertain significance (3). Last evaluated 2025-11-25.

Conditions:
Combined immunodeficiency due to ORAI1 deficiency. Also called: IMMUNODEFICIENCY 9. Identifiers: Orphanet 169090, Orphanet 317428, MedGen C2748568, MONDO:0013007, OMIM 612782.
Myopathy, tubular aggregate, 2 (TAM2). Identifiers: MedGen C4014557, MONDO:0014383, OMIM 615883.

Allele frequency attached by ClinVar (database versions not stated): gnomAD 0.00001; TOPMed 0.00001; gnomAD exomes 0.00002.

Submissions (3):

Women's Health and Genetics/Laboratory Corporation of America, LabCorp
Classification: Uncertain significance. Last evaluated: 2025-11-25. Review status: criteria provided, single submitter. Criteria: LabCorp Variant Classification Summary - May 2015. Collection method: clinical testing. Allele origin: germline.
Comment: Variant summary: ORAI1 c.479A>G (p.Asn160Ser), also known as c.473A>G (p.Asn158Ser) in RefSeq, results in a conservative amino acid change in the encoded protein sequence. Algorithms developed to predict the effect of missense changes on protein structure and function are either unavailable or do not agree on the potential impact of this missense change. The variant allele was found at a frequency of 2.4e-05 in 251064 control chromosomes. The available data on variant occurrences in the general population are insufficient to allow any conclusion about variant significance. To our knowledge, no occurrence of c.479A>G in individuals affected with ORAI1-related conditions and no experimental evidence demonstrating its impact on protein function have been reported. ClinVar contains an entry for this variant (Variation ID: 2923344). Based on the evidence outlined above, the variant was classified as uncertain significance.

Labcorp Genetics (formerly Invitae), Labcorp
Classification: Uncertain significance for Myopathy, tubular aggregate, 2; Combined immunodeficiency due to ORAI1 deficiency. Last evaluated: 2023-06-09. Review status: criteria provided, single submitter. Criteria: Invitae Variant Classification Sherloc (09022015). Collection method: clinical testing. Allele origin: germline.
Comment: In summary, the available evidence is currently insufficient to determine the role of this variant in disease. Therefore, it has been classified as a Variant of Uncertain Significance. Experimental studies and prediction algorithms are not available or were not evaluated, and the functional significance of this variant is currently unknown. This variant has not been reported in the literature in individuals affected with ORAI1-related conditions. This variant is present in population databases (no rsID available, gnomAD 0.006%). This sequence change replaces asparagine, which is neutral and polar, with serine, which is neutral and polar, at codon 158 of the ORAI1 protein (p.Asn158Ser).

Blueprint Genetics
Classification: Uncertain significance. Last evaluated: 2023-02-16. Review status: criteria provided, single submitter. Criteria: ACMG Guidelines, 2015. Collection method: clinical testing. Allele origin: germline.